The following is an entry in ClinVar:

NM_001142800.2(EYS):c.9389_9391del (p.Glu3130del)

Genes: EYS (EGF-like photoreceptor maintenance factor; minus strand), PHF3 (PHD finger protein 3; plus strand). Cytogenetic location: 6q12.
Variant type: Deletion.
Coding change: c.9389_9391del on transcript NM_001142800.2 (MANE Select); coding-DNA positions 9389 to 9391, 3 bases deleted (AAG; older notation c.9389_9391delAAG).
Protein change: p.Glu3130del; deletes glutamic acid 3130.
Molecular consequence: inframe deletion. On other transcripts: 3 prime UTR variant (5).
Genome position (GRCh38, 1-based): chr6:63,720,640-63,720,642, CTT deleted on the plus strand (AAG on the coding strand, the reverse complement: EYS is on the minus strand); deleting any 3 consecutive bases within chr6:63,720,640-63,720,644 gives the same sequence; the c. name uses the placement nearest the transcript's 3' end. VCF-style (leftmost placement, unchanged base first): chr6-63720639-CCTT-C. GRCh37 (hg19) VCF-style: chr6-64430535-CCTT-C.
Other names: c.*6934_*6936del (NM_001290259.2, NM_001370348.2, NM_001370349.2 and 2 more transcripts); c.9452_9454del, p.Glu3151del (NM_001292009.2); short protein forms E3130del, E3151del.
Identifiers: ClinVar variation 2185655 (VCV002185655.4), dbSNP rs1481556651, ClinGen allele CA568118964.

ClinVar aggregate classification (germline): Conflicting classifications of pathogenicity. Review status: criteria provided, conflicting classifications (1 of 4 stars). 2 submissions from 2 submitters: Pathogenic (1); Uncertain significance (1). Last evaluated 2024-11-26.

Conditions:
EYS-related disorder. Also called: EYS-related condition.

Submissions (2):

Blueprint Genetics
Classification: Pathogenic for EYS-related disorders. Last evaluated: 2024-11-26. Review status: criteria provided, single submitter. Criteria: ACMG Guidelines, 2015. Collection method: clinical testing. Allele origin: germline. Affected: yes. Observed: 1 variant allele.

Labcorp Genetics (formerly Invitae), Labcorp
Classification: Uncertain significance. Last evaluated: 2024-10-29. Review status: criteria provided, single submitter. Criteria: Invitae Variant Classification Sherloc (09022015). Collection method: clinical testing. Allele origin: germline.
Comment: This variant, c.9389_9391del, results in the deletion of 1 amino acid(s) of the EYS protein (p.Glu3130del), but otherwise preserves the integrity of the reading frame. This variant is present in population databases (no rsID available, gnomAD 0.002%). This variant has not been reported in the literature in individuals affected with EYS-related conditions. ClinVar contains an entry for this variant (Variation ID: 2185655). Experimental studies and prediction algorithms are not available or were not evaluated, and the functional significance of this variant is currently unknown. In summary, the available evidence is currently insufficient to determine the role of this variant in disease. Therefore, it has been classified as a Variant of Uncertain Significance.